The following is an entry in ClinVar:

ClinVar aggregate classification (germline): Uncertain significance (1 of 4 stars; one submission).

gnomAD v4.1: 41 of 1,586,958 alleles (0.0026%); highest among the groups gnomAD compares: Non-Finnish European, 0.0033%; no homozygotes.

Submission:

Women's Health and Genetics/Laboratory Corporation of America, LabCorp
Classification: Uncertain significance. Last evaluated: 2025-01-03. Review status: criteria provided, single submitter. Criteria: LabCorp Variant Classification Summary - May 2015. Collection method: clinical testing. Allele origin: germline.
Comment: Variant summary: CCDC88C c.3769G>A (p.Glu1257Lys) results in a conservative amino acid change in the encoded protein sequence. Three of five in-silico tools predict a damaging effect of the variant on protein function. The variant allele was found at a frequency of 1.9e-05 in 207456 control chromosomes. The available data on variant occurrences in the general population are insufficient to allow any conclusion about variant significance. c.3769G>A has been reported in the literature in at-least one individual affected with Focal epilepsy (Chen_2024). These report(s) do not provide unequivocal conclusions about association of the variant with Congenital hydrocephalus 1. To our knowledge, no experimental evidence demonstrating an impact on protein function has been reported. The following publication has been ascertained in the context of this evaluation (PMID: 38173219). No submitters have cited clinical-significance assessments for this variant to ClinVar. Based on the evidence outlined above, the variant was classified as uncertain significance.

Literature cited by the submitters: PubMed 38173219.

NM_001080414.4(CCDC88C):c.3769G>A (p.Glu1257Lys)

Gene: CCDC88C (coiled-coil domain containing 88C; minus strand). Cytogenetic location: 14q32.11.
Variant type: single nucleotide variant.
Coding change: c.3769G>A on transcript NM_001080414.4 (MANE Select); coding-DNA position 3769, G replaced by A.
Protein change: p.Glu1257Lys; replaces glutamic acid 1257 with lysine.
Molecular consequence: missense variant. On other transcripts: non-coding transcript variant (2).
Genome position (GRCh38, 1-based): chr14:91,299,937, C>T on the plus strand (G>A on the coding strand, the complement: CCDC88C is on the minus strand). VCF-style: chr14-91299937-C-T. GRCh37 (hg19) VCF-style: chr14-91766281-C-T.
Other names: short protein forms E1257K.
Identifiers: ClinVar variation 3769308 (VCV003769308.2).
Genomic context (GRCh38, chr14:91,299,937, plus strand): 5'-GAACAGAATCTGGGGTGCTGCTATGTGCAGGGCCGGGCGCCGGCGCTCACCTGTCCAGCT[C>T]GCCCCGCAGCCTCTGGTTCTCGCCCATGGCGAGGGCGTTTGTCCTCTGCTCCTGCTGCAG-3'
Protein context (NP_001073883.2, residues 1247-1267): AMGENQRLRG[Glu1257Lys]LDRVNFLHHQ